The following is an entry in ClinVar:

ClinVar aggregate classification (germline): Uncertain significance (1 of 4 stars; one submission).

Conditions:
Epidermolysis bullosa simplex 5B, with muscular dystrophy (EBS5B). Also called: EPIDERMOLYSIS BULLOSA SIMPLEX AND LIMB-GIRDLE MUSCULAR DYSTROPHY; Epidermolysis bullosa simplex with muscular dystrophy. Identifiers: Orphanet 257, MedGen C2931072, MONDO:0009181, OMIM 226670.
Epidermolysis bullosa simplex 5C, with pyloric atresia (EBS5C). Also called: Epidermolysis bullosa simplex with pyloric atresia; PLEC-Related Epidermolysis Bullosa with Pyloric Atresia; PLEC1-Related Epidermolysis Bullosa with Pyloric Atresia. Identifiers: Orphanet 158684, MedGen C2677349, MONDO:0012807, OMIM 612138.
Autosomal recessive limb-girdle muscular dystrophy type 2Q (LGMDR17). Also called: MUSCULAR DYSTROPHY, LIMB-GIRDLE, AUTOSOMAL RECESSIVE 17. Identifiers: Orphanet 254361, MedGen C3150989, MONDO:0013390, OMIM 613723.
Epidermolysis bullosa simplex with nail dystrophy (EBS5D). Identifiers: MedGen C4225309, MONDO:0014661, OMIM 616487.
Epidermolysis bullosa simplex, Ogna type (EBS5A). Also called: Pidermolysis bullosa simplex 5A, Ogna type; EPIDERMOLYSIS BULLOSA SIMPLEX 5A, OGNA TYPE. Identifiers: Orphanet 79401, MedGen C0432317, MONDO:0007555, OMIM 131950.

gnomAD v4.1: 1 of 1,602,588 alleles (0.000062%); highest among the groups gnomAD compares: Non-Finnish European, 0.000085%; no homozygotes.

Submission:

Labcorp Genetics (formerly Invitae), Labcorp
Classification: Uncertain significance for Autosomal recessive limb-girdle muscular dystrophy type 2Q; Epidermolysis bullosa simplex, Ogna type; Epidermolysis bullosa simplex with nail dystrophy; Epidermolysis bullosa simplex 5C, with pyloric atresia; Epidermolysis bullosa simplex 5B, with muscular dystrophy. Last evaluated: 2022-09-06. Review status: criteria provided, single submitter. Criteria: Invitae Variant Classification Sherloc (09022015). Collection method: clinical testing. Allele origin: germline.
Comment: In summary, the available evidence is currently insufficient to determine the role of this variant in disease. Therefore, it has been classified as a Variant of Uncertain Significance. Algorithms developed to predict the effect of missense changes on protein structure and function (SIFT, PolyPhen-2, Align-GVGD) all suggest that this variant is likely to be disruptive. ClinVar contains an entry for this variant (Variation ID: 1439750). This variant has not been reported in the literature in individuals affected with PLEC-related conditions. This variant is not present in population databases (gnomAD no frequency). This sequence change replaces arginine, which is basic and polar, with proline, which is neutral and non-polar, at codon 2273 of the PLEC protein (p.Arg2273Pro).

NM_201384.3(PLEC):c.6737G>C (p.Arg2246Pro)

Gene: PLEC (plectin; minus strand). Cytogenetic location: 8q24.3.
Variant type: single nucleotide variant.
Coding change: c.6737G>C on transcript NM_201384.3 (MANE Select); coding-DNA position 6737, G replaced by C.
Protein change: p.Arg2246Pro; replaces arginine 2246 with proline.
Molecular consequence: missense variant.
Genome position (GRCh38, 1-based): chr8:143,923,192, C>G on the plus strand (G>C on the coding strand, the complement: PLEC is on the minus strand). VCF-style: chr8-143923192-C-G. GRCh37 (hg19) VCF-style: chr8-144997360-C-G.
Other names: c.6818G>C, p.Arg2273Pro (NM_000445.5); c.6695G>C, p.Arg2232Pro (NM_201378.4); c.6671G>C, p.Arg2224Pro (NM_201379.3); c.7148G>C, p.Arg2383Pro (NM_201380.4); c.6641G>C, p.Arg2214Pro (NM_201381.3); c.6737G>C, p.Arg2246Pro (NM_201382.4); c.6749G>C, p.Arg2250Pro (NM_201383.3); short protein forms R2224P, R2246P, R2232P, R2214P, R2250P, R2273P, R2383P.
Identifiers: ClinVar variation 1439750 (VCV001439750.6), dbSNP rs1444747601, ClinGen allele CA372532775.